The following is an entry in ClinVar:

ClinVar aggregate classification (germline): Uncertain significance (1 of 4 stars; one submission).

Conditions:
Congenital heart defects and ectodermal dysplasia (CHDED). Identifiers: MedGen C4479250, MONDO:0044303, OMIM 617364.

Allele frequency attached by ClinVar (database versions not stated): TOPMed below 0.00001; gnomAD 0.00001.
gnomAD v4.1: 3 of 1,604,390 alleles (0.00019%); highest among the groups gnomAD compares: Non-Finnish European, 0.00026%; no homozygotes.

Submission:

Victorian Clinical Genetics Services, Murdoch Childrens Research Institute
Classification: Uncertain significance for Congenital heart defects and ectodermal dysplasia. Last evaluated: 2022-03-31. Review status: criteria provided, single submitter. Criteria: ACMG Guidelines, 2015. Collection method: clinical testing. Allele origin: germline. Inheritance: Autosomal dominant inheritance. Affected: yes.
Comment: Based on the classification scheme VCGS_Germline_v1.3.4, this variant is classified as VUS-3C. Following criteria are met: 0103 - Loss of function and gain of function are potential mechanisms of disease in this gene and are associated with congenital heart defects and ectodermal dysplasia (MIM#617364). Two missense variants located in the kinase domain have been demonstrated to cause either reduced substrate phosphorylation or a consititutive lipid-independent catalytic activity using in vitro kindase assay (PMID: 32817298). (I) 0107 - This gene is associated with autosomal dominant disease. (I) 0200 - Variant is predicted to result in a missense amino acid change from serine to isoleucine. (I) 0251 - This variant is heterozygous. (I) 0302 - Variant is present in gnomAD (v3) <0.001 for a dominant condition (1 heterozygote, 0 homozygotes). (SP) 0309 - An alternative amino acid change at the same position has been observed in gnomAD (v2) (1 heterozygote, 0 homozygotes). (I) 0501 - Missense variant consistently predicted to be damaging by multiple in silico tools or highly conserved with a major amino acid change. (SP) 0600 - Variant is located in the annotated protein kinase domain (NCBI). (I) 0705 - No comparable missense variants have previous evidence for pathogenicity. (I) 0807 - This variant has no previous evidence of pathogenicity. (I) 0904 - Non-segregation of this variant with the phenotype under investigation has been clearly demonstrated (by segregation analysis). (SB) 1007 - No published functional evidence has been identified for this variant. (I) 1208 - Inheritance information for this variant is not currently available in this individual. (I) Legend: (SP) - Supporting pathogenic, (I) - Information, (SB) - Supporting benign

Literature cited by the submitters: PubMed 32817298.

NM_002742.3(PRKD1):c.1874G>T (p.Ser625Ile)

Gene: PRKD1 (protein kinase D1; minus strand). Cytogenetic location: 14q12.
Variant type: single nucleotide variant.
Coding change: c.1874G>T on transcript NM_002742.3 (MANE Select); coding-DNA position 1874, G replaced by T.
Protein change: p.Ser625Ile; replaces serine 625 with isoleucine.
Molecular consequence: missense variant.
Genome position (GRCh38, 1-based): chr14:29,624,183, C>A on the plus strand (G>T on the coding strand, the complement: PRKD1 is on the minus strand). VCF-style: chr14-29624183-C-A. GRCh37 (hg19) VCF-style: chr14-30093389-C-A.
Other names: c.1898G>T, p.Ser633Ile (NM_001330069.2); c.1610G>T, p.Ser537Ile (NM_001348390.1); short protein forms S537I, S625I, S633I.
Identifiers: ClinVar variation 1805098 (VCV001805098.1), dbSNP rs746086535, ClinGen allele CA257951018.